The following is an entry in ClinVar:

ClinVar aggregate classification (germline): Conflicting classifications of pathogenicity. Review status: criteria provided, conflicting classifications (1 of 4 stars). 4 submissions from 4 submitters: Uncertain significance (3); Likely benign (1). Last evaluated 2025-12-11.

Conditions:
Cryopyrin associated periodic syndrome (CAPS). Identifiers: Orphanet 208650, MedGen C2316212, MONDO:0016168.

Allele frequency attached by ClinVar (database versions not stated): gnomAD 0.00001; TOPMed 0.00001; ExAC 0.00002; gnomAD exomes 0.00002; ESP Exome Variant Server 0.00008.
gnomAD v4.1: 26 of 1,614,076 alleles (0.0016%); highest among the groups gnomAD compares: Non-Finnish European, 0.0019%; no homozygotes.

Submissions (4):

Labcorp Genetics (formerly Invitae), Labcorp
Classification: Likely benign for Cryopyrin associated periodic syndrome. Last evaluated: 2025-12-11. Review status: criteria provided, single submitter. Criteria: Invitae Variant Classification Sherloc (09022015). Collection method: clinical testing. Allele origin: germline.

Mayo Clinic Laboratories, Mayo Clinic
Classification: Uncertain significance. Last evaluated: 2020-07-28. Review status: criteria provided, single submitter. Criteria: ACMG Guidelines, 2015. Collection method: clinical testing. Allele origin: germline. Observed: 1 variant allele.

GeneDx
Classification: Uncertain significance. Last evaluated: 2017-07-28. Review status: criteria provided, single submitter. Criteria: GeneDx Variant Classification (06012015). Collection method: clinical testing. Allele origin: germline. Affected: yes.
Comment: The H51R variant has been reported previosuly as a variant of uncertain significance in association with CAPS (HernÃ¡ndez-RodrÃ­guez et al., 2015). The variant is observed in 1/10340 (0.01%) alleles from individuals of African background in the ExAC dataset (Lek et al., 2016). H51R is a conservative amino acid substitution, which is not likely to impact secondary protein structure as these residues share similar properties. This substitution occurs at a position that is not conserved. In silico analysis is inconsistent in its predictions as to whether or not the variant is damaging to the protein structure/function. In summary, based on the currently available information, it is unclear whether this variant is a pathogenic variant or a rare benign variant.

Eurofins Ntd Llc (ga)
Classification: Uncertain significance. Last evaluated: 2016-12-21. Review status: criteria provided, single submitter. Criteria: EGL Classification Definitions 2015. Collection method: clinical testing. Allele origin: germline. Observed: 1 variant allele, 1 heterozygote.

NM_001243133.2(NLRP3):c.146A>G (p.His49Arg)

Gene: NLRP3 (NLR family pyrin domain containing 3; plus strand). Cytogenetic location: 1q44.
Variant type: single nucleotide variant.
Coding change: c.146A>G on transcript NM_001243133.2 (MANE Select); coding-DNA position 146, A replaced by G.
Protein change: p.His49Arg; replaces histidine 49 with arginine.
Molecular consequence: missense variant.
Genome position (GRCh38, 1-based): chr1:247,418,946, A>G. VCF-style: chr1-247418946-A-G. GRCh37 (hg19) VCF-style: chr1-247582248-A-G.
Other names: c.146A>G, p.His49Arg (NM_001079821.3, NM_001127461.3, NM_001127462.3 and 1 more transcripts); c.152A>G, p.His51Arg (NM_004895.5); short protein forms H51R, H49R.
Identifiers: ClinVar variation 449689 (VCV000449689.13), dbSNP rs367663649, ClinGen allele CA1494752.